The following is an entry in ClinVar:

NM_000036.3(AMPD1):c.1811T>G (p.Leu604Arg)

Gene: AMPD1 (adenosine monophosphate deaminase 1; minus strand). Cytogenetic location: 1p13.2.
Variant type: single nucleotide variant.
Coding change: c.1811T>G on transcript NM_000036.3 (MANE Select); coding-DNA position 1811, T replaced by G.
Protein change: p.Leu604Arg; replaces leucine 604 with arginine.
Molecular consequence: missense variant.
Genome position (GRCh38, 1-based): chr1:114,674,072, A>C on the plus strand (T>G on the coding strand, the complement: AMPD1 is on the minus strand). VCF-style: chr1-114674072-A-C. GRCh37 (hg19) VCF-style: chr1-115216693-A-C.
Other names: c.1799T>G, p.Leu600Arg (NM_001172626.2); short protein forms L604R, L600R.
Identifiers: ClinVar variation 3717344 (VCV003717344.2).

ClinVar aggregate classification (germline): Uncertain significance (1 of 4 stars; one submission).

Conditions:
Muscle AMP deaminase deficiency (MMDD). Also called: Myoadenylate deaminase deficiency, myopathy due to; Adenosine monophosphate deaminase 1 deficiency; AMP deaminase 1 deficiency; Adenosine Monophosphate Deaminase 1; ADENOSINE MONOPHOSPHATE DEAMINASE-1 DEFICIENCY, MYOPATHY DUE TO; AMPD1 DEFICIENCY. Identifiers: Orphanet 45, MedGen C3714933, MONDO:0014220, OMIM 615511.

gnomAD v4.1: 6 of 1,613,790 alleles (0.00037%); highest among the groups gnomAD compares: Non-Finnish European, 0.00042%; no homozygotes.

Submission:

Labcorp Genetics (formerly Invitae), Labcorp
Classification: Uncertain significance for Muscle AMP deaminase deficiency. Last evaluated: 2024-05-25. Review status: criteria provided, single submitter. Criteria: Invitae Variant Classification Sherloc (09022015). Collection method: clinical testing. Allele origin: germline.
Comment: This sequence change replaces leucine, which is neutral and non-polar, with arginine, which is basic and polar, at codon 637 of the AMPD1 protein (p.Leu637Arg). This variant is not present in population databases (gnomAD no frequency). This variant has not been reported in the literature in individuals affected with AMPD1-related conditions. Advanced modeling of protein sequence and biophysical properties (such as structural, functional, and spatial information, amino acid conservation, physicochemical variation, residue mobility, and thermodynamic stability) performed at Invitae indicates that this missense variant is expected to disrupt AMPD1 protein function with a positive predictive value of 80%. In summary, the available evidence is currently insufficient to determine the role of this variant in disease. Therefore, it has been classified as a Variant of Uncertain Significance.